The following is an entry in ClinVar:

NM_001032283.3(TMPO):c.485T>G (p.Leu162Arg)

Gene: TMPO (thymopoietin; plus strand). Cytogenetic location: 12q23.1.
Variant type: single nucleotide variant.
Coding change: c.485T>G on transcript NM_001032283.3 (MANE Select); coding-DNA position 485, T replaced by G.
Protein change: p.Leu162Arg; replaces leucine 162 with arginine.
Molecular consequence: missense variant.
Genome position (GRCh38, 1-based): chr12:98,531,758, T>G. VCF-style: chr12-98531758-T-G. GRCh37 (hg19) VCF-style: chr12-98925536-T-G.
Other names: c.485T>G, p.Leu162Arg (NM_001032284.3, NM_001307975.2, NM_003276.2); short protein forms L162R.
Identifiers: ClinVar variation 1416212 (VCV001416212.8), dbSNP rs2121195897, ClinGen allele CA386151146.
Genomic context (GRCh38, chr12:98,531,758, plus strand): 5'-ATGAGAAAAAGCTTTTGAAACTGAGGGAACAAGGAACAGAATCAAGATCTTCTACTCCTC[T>G]GCCAACAATTTCTTCTTCAGCAGAAAATACAAGGCAGAATGGAAGTAATGATTCTGACAG-3'
Protein context (NP_001027454.1, residues 152-172): QGTESRSSTP[Leu162Arg]PTISSSAENT

ClinVar aggregate classification (germline): Uncertain significance (1 of 4 stars; one submission).

Conditions:
Loeys-Dietz syndrome 2 (LDS2). Also called: Marfan syndrome, type 2 (formerly); Marfan Syndrome type 2; Marfan like connective tissue disorder; MFS 2; TGFBR2-Related Loeys-Dietz Syndrome; AORTIC ANEURYSM, FAMILIAL THORACIC 3. Identifiers: Orphanet 284973, Orphanet 558, MedGen C2674574, MONDO:0012427, OMIM 610168.

Submission:

Labcorp Genetics (formerly Invitae), Labcorp
Classification: Uncertain significance for Loeys-Dietz syndrome 2. Last evaluated: 2022-06-23. Review status: criteria provided, single submitter. Criteria: Invitae Variant Classification Sherloc (09022015). Collection method: clinical testing. Allele origin: germline.
Comment: This sequence change replaces leucine, which is neutral and non-polar, with arginine, which is basic and polar, at codon 162 of the TMPO protein (p.Leu162Arg). This variant is not present in population databases (gnomAD no frequency). This variant has not been reported in the literature in individuals affected with TMPO-related conditions. Algorithms developed to predict the effect of missense changes on protein structure and function are either unavailable or do not agree on the potential impact of this missense change (SIFT: "Tolerated"; PolyPhen-2: "Possibly Damaging"; Align-GVGD: "Class C0"). In summary, the available evidence is currently insufficient to determine the role of this variant in disease. Therefore, it has been classified as a Variant of Uncertain Significance.